The following is an entry in ClinVar:

NM_004517.4(ILK):c.581A>C (p.Asn194Thr)

Genes: ILK (integrin linked kinase; plus strand), TAF10 (TATA-box binding protein associated factor 10; minus strand). Cytogenetic location: 11p15.4.
Variant type: single nucleotide variant.
Coding change: c.581A>C on transcript NM_004517.4 (MANE Select); coding-DNA position 581, A replaced by C.
Protein change: p.Asn194Thr; replaces asparagine 194 with threonine.
Molecular consequence: missense variant. On other transcripts: 3 prime UTR variant (1), intron variant (1).
Genome position (GRCh38, 1-based): chr11:6,609,119, A>C. VCF-style: chr11-6609119-A-C. GRCh37 (hg19) VCF-style: chr11-6630350-A-C.
Other names: c.581A>C, p.Asn194Thr (NM_001014794.3, NM_001014795.3); c.179A>C, p.Asn60Thr (NM_001278442.2); c.*1803T>G (NM_006284.4); c.435+152A>C (NM_001278441.2); short protein forms N60T, N194T.
Identifiers: ClinVar variation 2133983 (VCV002133983.4), dbSNP rs2493769960, ClinGen allele CA379460787.

ClinVar aggregate classification (germline): Uncertain significance (1 of 4 stars; one submission).

Conditions:
Primary familial hypertrophic cardiomyopathy (HCM). Identifiers: Orphanet 99739, MedGen C0949658, MeSH D024741, MONDO:0024573. Inheritance: Various modes of inheritance.

Submission:

Labcorp Genetics (formerly Invitae), Labcorp
Classification: Uncertain significance for Primary familial hypertrophic cardiomyopathy. Last evaluated: 2022-05-05. Review status: criteria provided, single submitter. Criteria: Invitae Variant Classification Sherloc (09022015). Collection method: clinical testing. Allele origin: germline.
Comment: Algorithms developed to predict the effect of missense changes on protein structure and function (SIFT, PolyPhen-2, Align-GVGD) all suggest that this variant is likely to be tolerated. In summary, the available evidence is currently insufficient to determine the role of this variant in disease. Therefore, it has been classified as a Variant of Uncertain Significance. This sequence change replaces asparagine, which is neutral and polar, with threonine, which is neutral and polar, at codon 194 of the ILK protein (p.Asn194Thr). This variant is not present in population databases (gnomAD no frequency). This variant has not been reported in the literature in individuals affected with ILK-related conditions.